The following is an entry in ClinVar:

NM_001101.5(ACTB):c.83G>A (p.Arg28Gln)

Gene: ACTB (actin beta; minus strand). Cytogenetic location: 7p22.1.
Variant type: single nucleotide variant.
Coding change: c.83G>A on transcript NM_001101.5 (MANE Select); coding-DNA position 83, G replaced by A.
Protein change: p.Arg28Gln; replaces arginine 28 with glutamine.
Molecular consequence: missense variant.
Genome position (GRCh38, 1-based): chr7:5,529,575, C>T on the plus strand (G>A on the coding strand, the complement: ACTB is on the minus strand). VCF-style: chr7-5529575-C-T. GRCh37 (hg19) VCF-style: chr7-5569206-C-T.
Other names: c.83G>A (NM_001101.3); short protein forms R28Q.
Identifiers: ClinVar variation 1328552 (VCV001328552.8), dbSNP rs2128241449, ClinGen allele CA366706876.

ClinVar aggregate classification (germline): Conflicting classifications of pathogenicity. Review status: criteria provided, conflicting classifications (1 of 4 stars). 4 submissions from 4 submitters: Pathogenic (2); Likely pathogenic (1); Uncertain significance (1). Last evaluated 2026-02-23.

Conditions:
ACTB-related disorder. Also called: ACTB-related condition; ACTB-related disorders.
Baraitser-Winter syndrome 1 (BRWS1). Also called: BARAITSER-WINTER SYNDROME 1, ATYPICAL; Cerebrofrontofacial syndrome; PACHYGYRIA, MENTAL RETARDATION, EPILEPSY, AND CHARACTERISTIC FACIES; MENTAL RETARDATION WITH EPILEPSY AND CHARACTERISTIC FACIES. Identifiers: Orphanet 2649, Orphanet 2995, MedGen C1855722, MONDO:0009470, OMIM 243310.

Submissions (4):

Women's Health and Genetics/Laboratory Corporation of America, LabCorp
Classification: Pathogenic for Baraitser-Winter syndrome 1. Last evaluated: 2026-02-23. Review status: criteria provided, single submitter. Criteria: LabCorp Variant Classification Summary - May 2015. Collection method: clinical testing. Allele origin: germline.
Comment: Variant summary: ACTB c.83G>A (p.Arg28Gln) results in a conservative amino acid change in the encoded protein sequence. Algorithms developed to predict the effect of missense changes on protein structure and function are either unavailable or do not agree on the potential impact of this missense change. The variant was absent in 242644 control chromosomes. c.83G>A has been observed de novo in individual(s) with symptoms of Baraitser-Winter Syndrome 1 and related conditions (Bazalar-Montoya_2024, internal_testing). These data indicate that the variant may be associated with disease. To our knowledge, no experimental evidence demonstrating an impact on protein function has been reported. A different variant affecting the same codon has been observed in at least one de novo proband with features of Baraitser-Winter Syndrome 1, supporting the critical relevance of codon 28 to ACTB protein function. The following publications have been ascertained in the context of this evaluation (PMID: 39468051). ClinVar contains an entry for this variant (Variation ID: 1328552). Based on the evidence outlined above, the variant was classified as pathogenic.

GeneDx
Classification: Pathogenic. Last evaluated: 2024-08-20. Review status: criteria provided, single submitter. Criteria: GeneDx Variant Classification Process June 2021. Collection method: clinical testing. Allele origin: germline. Affected: yes.
Comment: Not observed at significant frequency in large population cohorts (gnomAD); Missense variants in this gene are a common cause of disease and they are underrepresented in the general population; In silico analysis supports that this missense variant has a deleterious effect on protein structure/function; Has not been previously published as pathogenic or benign to our knowledge

PreventionGenetics, part of Exact Sciences
Classification: Uncertain significance for ACTB-related condition. Last evaluated: 2023-01-10. Review status: criteria provided, single submitter. Criteria: ACMG Guidelines, 2015. Collection method: clinical testing. Allele origin: germline.
Comment: The ACTB c.83G>A variant is predicted to result in the amino acid substitution p.Arg28Gln. To our knowledge, this variant has not been reported in the literature or in a large population database, indicating this variant is rare. A different nucleotide substitution affecting the same amino acid (p.Arg28Gly) has been reported to have occurred de novo in at least one individual with a developmental disorder (Table S2, Dong et al. 2020. PubMed ID: 32005694). At this time, the clinical significance of the c.83G>A (p.Arg28Gln) variant is uncertain due to the absence of conclusive functional and genetic evidence.

Illumina Laboratory Services, Illumina
Classification: Likely pathogenic for Baraitser-Winter syndrome 1. Last evaluated: 2021-06-10. Review status: criteria provided, single submitter. Criteria: ICSLVariantClassificationCriteria RUGD 01 April 2020. Collection method: clinical testing. Allele origin: unknown.
Comment: The ACTB c.83G>A (p.Arg28Gln) variant is a missense variant. A literature search was performed for the gene, cDNA change, and amino acid change. No publications were found based on this search. This variant is not found in version 2.1.1 or version 3.1.1 of the Genome Aggregation Database despite its location in a region of good sequencing coverage, which suggests the variant is rare. Missense variants that confer a gain-of-function effect are noted to cause the disorder (Verloes et al. 2015). This variant was identified in a de novo state. Based on the available evidence, the p.Arg28Gln variant is classified as likely pathogenic for Baraitser-Winter syndrome.

Literature cited by the submitters: PubMed 39468051 (cited by Women's Health and Genetics/Laboratory Corporation of America, LabCorp); PubMed 26583190 (cited by Illumina Laboratory Services, Illumina).